The following is an entry in ClinVar:

NM_005458.8(GABBR2):c.2567A>T (p.Asn856Ile)

Gene: GABBR2 (gamma-aminobutyric acid type B receptor subunit 2; minus strand). Cytogenetic location: 9q22.33.
Variant type: single nucleotide variant.
Coding change: c.2567A>T on transcript NM_005458.8 (MANE Select); coding-DNA position 2567, A replaced by T.
Protein change: p.Asn856Ile; replaces asparagine 856 with isoleucine.
Molecular consequence: missense variant.
Genome position (GRCh38, 1-based): chr9:98,293,878, T>A on the plus strand (A>T on the coding strand, the complement: GABBR2 is on the minus strand). VCF-style: chr9-98293878-T-A. GRCh37 (hg19) VCF-style: chr9-101056160-T-A.
Other names: short protein forms N856I.
Identifiers: ClinVar variation 4734957 (VCV004734957.1).

ClinVar aggregate classification (germline): Uncertain significance (1 of 4 stars; one submission).

Conditions:
Epileptic encephalopathy. Identifiers: MedGen C0543888, HP:0200134.

Submission:

Labcorp Genetics (formerly Invitae), Labcorp
Classification: Uncertain significance for Epileptic encephalopathy. Last evaluated: 2026-01-09. Review status: criteria provided, single submitter. Criteria: Invitae Variant Classification Sherloc (09022015). Collection method: clinical testing. Allele origin: germline.
Comment: This sequence change replaces asparagine, which is neutral and polar, with isoleucine, which is neutral and non-polar, at codon 856 of the GABBR2 protein (p.Asn856Ile). This variant is not present in population databases (gnomAD no frequency). This variant has not been reported in the literature in individuals affected with GABBR2-related conditions. An algorithm developed to predict the effect of missense changes on protein structure and function (PolyPhen-2) suggests that this variant is likely to be tolerated. In summary, the available evidence is currently insufficient to determine the role of this variant in disease. Therefore, it has been classified as a Variant of Uncertain Significance.